The following is an entry in ClinVar:

NM_212482.4(FN1):c.1892A>G (p.Asn631Ser)

Gene: FN1 (fibronectin 1; minus strand). Cytogenetic location: 2q35.
Variant type: single nucleotide variant.
Coding change: c.1892A>G on transcript NM_212482.4 (MANE Select); coding-DNA position 1892, A replaced by G.
Protein change: p.Asn631Ser; replaces asparagine 631 with serine.
Molecular consequence: missense variant.
Genome position (GRCh38, 1-based): chr2:215,414,886, T>C on the plus strand (A>G on the coding strand, the complement: FN1 is on the minus strand). VCF-style: chr2-215414886-T-C. GRCh37 (hg19) VCF-style: chr2-216279609-T-C.
Other names: c.1892A>G, p.Asn631Ser (NM_001306129.2, NM_001306130.2, NM_001306131.2 and 14 more transcripts); short protein forms N631S.
Identifiers: ClinVar variation 4769112 (VCV004769112.1).
Genomic context (GRCh38, chr2:215,414,886, plus strand): 5'-GGGATACTCACAGGTCTCCACCTGAGAATGTACTTGGAAATGTGAGATGGCTGTGGTGCA[T>C]TCCACTGGATGGGGTGGGAGTTGGGCTGACTCGGAGTCTCAGTGATAAATACTTCGACAG-3'
Protein context (NP_997647.2, residues 621-641): SQPNSHPIQW[Asn631Ser]APQPSHISKY

ClinVar aggregate classification (germline): Uncertain significance (1 of 4 stars; one submission).

gnomAD v4.1: 2 of 1,613,870 alleles (0.00012%); no homozygotes.

Submission:

Labcorp Genetics (formerly Invitae), Labcorp
Classification: Uncertain significance. Last evaluated: 2025-04-29. Review status: criteria provided, single submitter. Criteria: Invitae Variant Classification Sherloc (09022015). Collection method: clinical testing. Allele origin: germline.
Comment: This sequence change replaces asparagine, which is neutral and polar, with serine, which is neutral and polar, at codon 631 of the FN1 protein (p.Asn631Ser). This variant is not present in population databases (gnomAD no frequency). This variant has not been reported in the literature in individuals affected with FN1-related conditions. An algorithm developed to predict the effect of missense changes on protein structure and function (PolyPhen-2) suggests that this variant is likely to be tolerated. In summary, the available evidence is currently insufficient to determine the role of this variant in disease. Therefore, it has been classified as a Variant of Uncertain Significance.